The following is an entry in ClinVar:

ClinVar aggregate classification (germline): Uncertain significance (1 of 4 stars; one submission).

gnomAD v4.1: 4 of 1,613,686 alleles (0.00025%); highest among the groups gnomAD compares: African/African-American, 0.0053%; no homozygotes.

Submission:

Labcorp Genetics (formerly Invitae), Labcorp
Classification: Uncertain significance. Last evaluated: 2024-02-17. Review status: criteria provided, single submitter. Criteria: Invitae Variant Classification Sherloc (09022015). Collection method: clinical testing. Allele origin: germline.
Comment: This sequence change replaces arginine, which is basic and polar, with leucine, which is neutral and non-polar, at codon 946 of the EMC1 protein (p.Arg946Leu). This variant is present in population databases (rs374448290, gnomAD 0.01%). This variant has not been reported in the literature in individuals affected with EMC1-related conditions. Advanced modeling of protein sequence and biophysical properties (such as structural, functional, and spatial information, amino acid conservation, physicochemical variation, residue mobility, and thermodynamic stability) performed at Invitae indicates that this missense variant is expected to disrupt EMC1 protein function with a positive predictive value of 80%. In summary, the available evidence is currently insufficient to determine the role of this variant in disease. Therefore, it has been classified as a Variant of Uncertain Significance.

NM_015047.3(EMC1):c.2837G>T (p.Arg946Leu)

Genes: EMC1 (ER membrane protein complex subunit 1; minus strand), EMC1-AS1 (EMC1 antisense RNA 1; plus strand). Cytogenetic location: 1p36.13.
Variant type: single nucleotide variant.
Coding change: c.2837G>T on transcript NM_015047.3 (MANE Select); coding-DNA position 2837, G replaced by T.
Protein change: p.Arg946Leu; replaces arginine 946 with leucine.
Molecular consequence: missense variant.
Genome position (GRCh38, 1-based): chr1:19,219,448, C>A on the plus strand (G>T on the coding strand, the complement: EMC1 is on the minus strand). VCF-style: chr1-19219448-C-A. GRCh37 (hg19) VCF-style: chr1-19545942-C-A.
Other names: c.2834G>T, p.Arg945Leu (NM_001271427.2, NM_001271428.2); c.2771G>T, p.Arg924Leu (NM_001271429.2); c.2846G>T, p.Arg949Leu (NM_001375820.1); c.2843G>T, p.Arg948Leu (NM_001375821.1); short protein forms R924L, R945L, R946L, R948L, R949L.
Identifiers: ClinVar variation 3609643 (VCV003609643.2).
Genomic context (GRCh38, chr1:19,219,448, plus strand): 5'-CTGATTAACACGTAGTCATAGTCATCCTTCAGAACGTCAAACTGCTTGGATGGGTAGACT[C>A]GAGTTTGGTAAATGTCCAAACCATAGGCCACAACCTGGAAGGCAGATGGAATAAGAATTA-3'
Protein context (NP_055862.1, residues 936-956): VAYGLDIYQT[Arg946Leu]VYPSKQFDVL